The following is an entry in ClinVar:

ClinVar aggregate classification (germline): Uncertain significance. Review status: criteria provided, multiple submitters, no conflicts (2 of 4 stars). 2 submissions from 2 submitters: Uncertain significance (2). Last evaluated 2025-08-01.

Conditions:
Cardiovascular phenotype. Identifiers: MedGen CN230736.

Allele frequency attached by ClinVar (database versions not stated): gnomAD exomes 0.00001; TOPMed 0.00001; ExAC 0.00002.
gnomAD v4.1: 17 of 1,613,924 alleles (0.0011%); highest among the groups gnomAD compares: Admixed American, 0.0067%; no homozygotes.

Submissions (2):

Ambry Genetics
Classification: Uncertain significance for Cardiovascular phenotype. Last evaluated: 2025-08-01. Review status: criteria provided, single submitter. Criteria: Ambry Variant Classification Scheme 2023. Collection method: clinical testing. Allele origin: germline.

Labcorp Genetics (formerly Invitae), Labcorp
Classification: Uncertain significance. Last evaluated: 2025-06-03. Review status: criteria provided, single submitter. Criteria: Invitae Variant Classification Sherloc (09022015). Collection method: clinical testing. Allele origin: germline.
Comment: This sequence change replaces alanine, which is neutral and non-polar, with valine, which is neutral and non-polar, at codon 918 of the ALPK3 protein (p.Ala918Val). This variant is present in population databases (rs779674365, gnomAD 0.003%). This variant has not been reported in the literature in individuals affected with ALPK3-related conditions. ClinVar contains an entry for this variant (Variation ID: 1437193). Invitae Evidence Modeling of protein sequence and biophysical properties (such as structural, functional, and spatial information, amino acid conservation, physicochemical variation, residue mobility, and thermodynamic stability) indicates that this missense variant is not expected to disrupt ALPK3 protein function with a negative predictive value of 80%. In summary, the available evidence is currently insufficient to determine the role of this variant in disease. Therefore, it has been classified as a Variant of Uncertain Significance.

NM_020778.5(ALPK3):c.2147C>T (p.Ala716Val)

Gene: ALPK3 (alpha kinase 3; plus strand). Cytogenetic location: 15q25.3.
Variant type: single nucleotide variant.
Coding change: c.2147C>T on transcript NM_020778.5 (MANE Select); coding-DNA position 2147, C replaced by T.
Protein change: p.Ala716Val; replaces alanine 716 with valine.
Molecular consequence: missense variant.
Genome position (GRCh38, 1-based): chr15:84,856,885, C>T. VCF-style: chr15-84856885-C-T. GRCh37 (hg19) VCF-style: chr15-85400116-C-T.
Other names: c.2753C>T (NM_020778.4); short protein forms A716V.
Identifiers: ClinVar variation 1437193 (VCV001437193.8), dbSNP rs779674365, ClinGen allele CA7709347.